The following is an entry in ClinVar:

NM_000419.5(ITGA2B):c.2800G>T (p.Val934Phe)

Gene: ITGA2B (integrin subunit alpha 2b; minus strand). Cytogenetic location: 17q21.31.
Variant type: single nucleotide variant.
Coding change: c.2800G>T on transcript NM_000419.5 (MANE Select); coding-DNA position 2800, G replaced by T.
Protein change: p.Val934Phe; replaces valine 934 with phenylalanine.
Molecular consequence: missense variant.
Genome position (GRCh38, 1-based): chr17:44,375,039, C>A on the plus strand (G>T on the coding strand, the complement: ITGA2B is on the minus strand). VCF-style: chr17-44375039-C-A. GRCh37 (hg19) VCF-style: chr17-42452407-C-A.
Other names: short protein forms V934F.
Identifiers: ClinVar variation 996165 (VCV000996165.3), dbSNP rs77458039, ClinGen allele CA290946484.

ClinVar aggregate classification (germline): Likely pathogenic (3 of 4 stars; one submission).

Conditions:
Glanzmann thrombasthenia. Also called: Glanzmann's thrombasthenia; PLATELET GLYCOPROTEIN IIb-IIIa DEFICIENCY; BLEEDING DISORDER, PLATELET-TYPE, 2; THROMBASTHENIA OF GLANZMANN AND NAEGELI; Thrombasthenia. Identifiers: Orphanet 849, MedGen C0040015, MONDO:0100326.

Submission:

ClinGen Platelet Disorders Variant Curation Expert Panel, ClinGen
Classification: Likely pathogenic for Glanzmann thrombasthenia. Last evaluated: 2024-06-06. Review status: reviewed by expert panel. Criteria: ClinGen Platelet ACMG Specifications v2-1. Collection method: curation. Allele origin: germline. Inheritance: Autosomal recessive inheritance.
Comment: The ITGA2B missense variant NM_000419.5:c.2800G>T replaces the valine residue with a phenylalanine residue (p.Val934Phe). All requirements for PP4 at an upgraded strength of strong (PP4_Strong) are met by proband GT20 (PMID 25728920): epistaxis; absent platelet aggregation in response to physiologic agonists except normal response to ristocetin; flow cytometry showed 10-20% expression of αIIbβ3; direct sequencing of all exons and splice sites of ITGA2B and ITGB3, as well as upstream regions. This variant has also been observed in a homozygous proband (PMID: 34347927) and a proband (PMID: 25728920) who also harbors a second ITGA2B variant (c.1413C>G, p.Tyr471Ter) previously classified by the VCEP as pathogenic (phase unconfirmed) (PM3). Furthermore, this variant has not been observed in population databases (absent from gnomAD v4.1.0; PM2_supporting). Finally, a functional study of this variant has been reported (PMID: 20020534; flow cytometric detection of αIIb, β3, and αIIbβ3 positive cells following transient transfection of ITGA2B cDNA carrying this variant), finding approximately 20% positive cells for the β3 subunit compared to WT (PS3_supporting). In summary, this variant meets criteria to be classified as likely pathogenic for GT. GT-specific criteria applied: PS3_supporting, PM2_supporting, PM3, and PP4_strong.